The following is an entry in ClinVar:

NM_005120.3(MED12):c.1135T>G (p.Trp379Gly)

Gene: MED12 (mediator complex subunit 12; plus strand). Cytogenetic location: Xq13.1.
Variant type: single nucleotide variant.
Coding change: c.1135T>G on transcript NM_005120.3 (MANE Select); coding-DNA position 1135, T replaced by G.
Protein change: p.Trp379Gly; replaces tryptophan 379 with glycine.
Molecular consequence: missense variant.
Genome position (GRCh38, 1-based): chrX:71,122,233, T>G. VCF-style: chrX-71122233-T-G. GRCh37 (hg19) VCF-style: chrX-70342083-T-G.
Other names: short protein forms W379G.
Identifiers: ClinVar variation 3634949 (VCV003634949.2).
Genomic context (GRCh38, chrX:71,122,233, plus strand): 5'-TTGGACTTAGCTGTTTCTATCTGGTAGACCATCCTCCTGTGCTGTCCTAGTGCCTTGGTT[T>G]GGCACTACTCACTGACTGATAGCAGAATTAAGACCGGCTCACCACTTGACCACTTGCCTA-3'
Protein context (NP_005111.2, residues 369-389): ILLCCPSALV[Trp379Gly]HYSLTDSRIK

ClinVar aggregate classification (germline): Uncertain significance (1 of 4 stars; one submission).

Conditions:
FG syndrome (FGS). Identifiers: MedGen C0220769, MONDO:0002010.

Submission:

Labcorp Genetics (formerly Invitae), Labcorp
Classification: Uncertain significance for FG syndrome. Last evaluated: 2024-12-18. Review status: criteria provided, single submitter. Criteria: Invitae Variant Classification Sherloc (09022015). Collection method: clinical testing. Allele origin: germline.
Comment: This sequence change replaces tryptophan, which is neutral and slightly polar, with glycine, which is neutral and non-polar, at codon 379 of the MED12 protein (p.Trp379Gly). This variant is not present in population databases (gnomAD no frequency). This variant has not been reported in the literature in individuals affected with MED12-related conditions. Invitae Evidence Modeling of protein sequence and biophysical properties (such as structural, functional, and spatial information, amino acid conservation, physicochemical variation, residue mobility, and thermodynamic stability) indicates that this missense variant is expected to disrupt MED12 protein function with a positive predictive value of 95%. In summary, the available evidence is currently insufficient to determine the role of this variant in disease. Therefore, it has been classified as a Variant of Uncertain Significance.